The following is an entry in ClinVar:

ClinVar aggregate classification (germline): Uncertain significance (1 of 4 stars; one submission).

Conditions:
Melanoma, cutaneous malignant, susceptibility to, 5. Also called: Cutaneous malignant melanoma 5. Identifiers: Orphanet 618, MedGen C2751295, MONDO:0013133, OMIM 613099.

gnomAD v4.1: 2 of 1,606,274 alleles (0.00012%); highest among the groups gnomAD compares: African/African-American, 0.0013%; no homozygotes.

Submission:

Labcorp Genetics (formerly Invitae), Labcorp
Classification: Uncertain significance for Melanoma, cutaneous malignant, susceptibility to, 5. Last evaluated: 2024-12-18. Review status: criteria provided, single submitter. Criteria: Invitae Variant Classification Sherloc (09022015). Collection method: clinical testing. Allele origin: germline.
Comment: This sequence change replaces alanine, which is neutral and non-polar, with valine, which is neutral and non-polar, at codon 149 of the MC1R protein (p.Ala149Val). This variant is not present in population databases (gnomAD no frequency). This missense change has been observed in individual(s) with melanoma (PMID: 23647022). Invitae Evidence Modeling of protein sequence and biophysical properties (such as structural, functional, and spatial information, amino acid conservation, physicochemical variation, residue mobility, and thermodynamic stability) indicates that this missense variant is expected to disrupt MC1R protein function with a positive predictive value of 80%. In summary, the available evidence is currently insufficient to determine the role of this variant in disease. Therefore, it has been classified as a Variant of Uncertain Significance.

Literature cited by the submitters: PubMed 23647022.

NM_002386.4(MC1R):c.446C>T (p.Ala149Val)

Gene: MC1R (melanocortin 1 receptor; plus strand). Cytogenetic location: 16q24.3.
Variant type: single nucleotide variant.
Coding change: c.446C>T on transcript NM_002386.4 (MANE Select); coding-DNA position 446, C replaced by T.
Protein change: p.Ala149Val; replaces alanine 149 with valine.
Molecular consequence: missense variant.
Genome position (GRCh38, 1-based): chr16:89,919,704, C>T. VCF-style: chr16-89919704-C-T. GRCh37 (hg19) VCF-style: chr16-89986112-C-T.
Other names: short protein forms A149V.
Identifiers: ClinVar variation 3722355 (VCV003722355.2).